The following is an entry in ClinVar:

NM_032444.4(SLX4):c.4394G>A (p.Arg1465His)

Gene: SLX4 (SLX4 structure-specific endonuclease subunit; minus strand). Cytogenetic location: 16p13.3.
Variant type: single nucleotide variant.
Coding change: c.4394G>A on transcript NM_032444.4 (MANE Select); coding-DNA position 4394, G replaced by A.
Protein change: p.Arg1465His; replaces arginine 1465 with histidine.
Molecular consequence: missense variant.
Genome position (GRCh38, 1-based): chr16:3,589,244, C>T on the plus strand (G>A on the coding strand, the complement: SLX4 is on the minus strand). VCF-style: chr16-3589244-C-T. GRCh37 (hg19) VCF-style: chr16-3639245-C-T.
Other names: c.4394G>A (NM_032444.3, NM_032444.2); short protein forms R1465H.
Identifiers: ClinVar variation 1060542 (VCV001060542.11), dbSNP rs757128699, ClinGen allele CA7865657.

ClinVar aggregate classification (germline): Conflicting classifications of pathogenicity. Review status: criteria provided, conflicting classifications (1 of 4 stars). 4 submissions from 4 submitters: Uncertain significance (2); Likely benign (1). 1 of the submissions does not count toward it. Last evaluated 2025-07-18.

Conditions:
Fanconi anemia complementation group P. Also called: SLX4-Related Fanconi Anemia. Identifiers: Orphanet 84, MedGen C3469542, MONDO:0013499, OMIM 613951.
SLX4-related disorder. Also called: SLX4-related condition.
Inborn genetic diseases. Identifiers: MedGen C0950123, MeSH D030342.
Fanconi anemia (FA). Also called: Fanconi's anemia. Identifiers: Orphanet 84, MedGen C0015625, MeSH D005199, MONDO:0019391.

Allele frequency attached by ClinVar (database versions not stated): gnomAD 0.00003 and 0.00004; TOPMed 0.00003; ExAC 0.00007; gnomAD exomes 0.00009.

Submissions (4):

Labcorp Genetics (formerly Invitae), Labcorp
Classification: Uncertain significance for Fanconi anemia. Last evaluated: 2025-07-18. Review status: criteria provided, single submitter. Criteria: Invitae Variant Classification Sherloc (09022015). Collection method: clinical testing. Allele origin: germline.
Comment: This sequence change replaces arginine, which is basic and polar, with histidine, which is basic and polar, at codon 1465 of the SLX4 protein (p.Arg1465His). This variant is present in population databases (rs757128699, gnomAD 0.1%). This variant has not been reported in the literature in individuals affected with SLX4-related conditions. ClinVar contains an entry for this variant (Variation ID: 1060542). An algorithm developed to predict the effect of missense changes on protein structure and function outputs the following: PolyPhen-2: "Benign". The histidine amino acid residue is found in multiple mammalian species, which suggests that this missense change does not adversely affect protein function. In summary, the available evidence is currently insufficient to determine the role of this variant in disease. Therefore, it has been classified as a Variant of Uncertain Significance.

Fulgent Genetics
Classification: Uncertain significance for Fanconi anemia complementation group P. Last evaluated: 2024-02-02. Review status: criteria provided, single submitter. Criteria: ACMG Guidelines, 2015. Collection method: clinical testing. Allele origin: germline.

Ambry Genetics
Classification: Likely benign for Inborn genetic diseases. Last evaluated: 2023-05-31. Review status: criteria provided, single submitter. Criteria: Ambry Variant Classification Scheme 2023. Collection method: clinical testing. Allele origin: germline.

PreventionGenetics, part of Exact Sciences
Classification: Uncertain significance for SLX4-related condition. Last evaluated: 2024-08-02. Review status: no assertion criteria provided. Collection method: clinical testing. Allele origin: germline. Not counted in ClinVar's aggregate classification.
Comment: The SLX4 c.4394G>A variant is predicted to result in the amino acid substitution p.Arg1465His. To our knowledge, this variant has not been reported in the literature. This variant is reported in 0.12% of alleles in individuals of East Asian descent in gnomAD. At this time, the clinical significance of this variant is uncertain due to the absence of conclusive functional and genetic evidence.